The following is an entry in ClinVar:

NM_000198.4(HSD3B2):c.216C>A (p.Cys72Ter)

Gene: HSD3B2 (hydroxy-delta-5-steroid dehydrogenase, 3 beta- and steroid delta-isomerase 2; plus strand). Cytogenetic location: 1p12.
Variant type: single nucleotide variant.
Coding change: c.216C>A on transcript NM_000198.4 (MANE Select); coding-DNA position 216, C replaced by A.
Protein change: p.Cys72Ter; replaces cysteine 72 with a stop codon.
Molecular consequence: nonsense.
Genome position (GRCh38, 1-based): chr1:119,419,491, C>A. VCF-style: chr1-119419491-C-A. GRCh37 (hg19) VCF-style: chr1-119962114-C-A.
Other names: c.216C>A, p.Cys72Ter (NM_001166120.2); short protein forms C72*.
Identifiers: ClinVar variation 1445872 (VCV001445872.6), dbSNP rs2101343665, ClinGen allele CA341395069.

ClinVar aggregate classification (germline): Pathogenic (1 of 4 stars; one submission).

Submission:

Labcorp Genetics (formerly Invitae), Labcorp
Classification: Pathogenic. Last evaluated: 2021-11-11. Review status: criteria provided, single submitter. Criteria: Invitae Variant Classification Sherloc (09022015). Collection method: clinical testing. Allele origin: germline.
Comment: This sequence change creates a premature translational stop signal (p.Cys72*) in the HSD3B2 gene. It is expected to result in an absent or disrupted protein product. Loss-of-function variants in HSD3B2 are known to be pathogenic (PMID: 11196452). This variant is not present in population databases (gnomAD no frequency). This variant has not been reported in the literature in individuals affected with HSD3B2-related conditions. For these reasons, this variant has been classified as Pathogenic.

Literature cited by the submitters: PubMed 11196452.